The following is an entry in ClinVar:

ClinVar aggregate classification (germline): Likely benign (1 of 4 stars; one submission).

gnomAD v4.1: 31 of 1,589,904 alleles (0.0019%); highest among the groups gnomAD compares: Non-Finnish European, 0.0021%; no homozygotes.

Submission:

CeGaT Center for Human Genetics Tuebingen
Classification: Likely benign. Last evaluated: 2025-05-01. Review status: criteria provided, single submitter. Criteria: CeGaT Center For Human Genetics Tuebingen Variant Classification Criteria Version 2. Collection method: clinical testing. Allele origin: germline. Affected: yes. Observed: 1 variant allele.
Comment: OVOL1: BP4, BP7

NM_004561.4(OVOL1):c.12G>A (p.Ala4=)

Gene: OVOL1 (ovo like transcriptional repressor 1; plus strand). Cytogenetic location: 11q13.1.
Variant type: single nucleotide variant.
Coding change: c.12G>A on transcript NM_004561.4 (MANE Select); coding-DNA position 12, G replaced by A.
Protein change: p.Ala4=; no amino-acid change (alanine 4 retained).
Molecular consequence: synonymous variant.
Genome position (GRCh38, 1-based): chr11:65,787,385, G>A. VCF-style: chr11-65787385-G-A. GRCh37 (hg19) VCF-style: chr11-65554856-G-A.
Identifiers: ClinVar variation 3905566 (VCV003905566.10).